The following is an entry in ClinVar:

ClinVar aggregate classification (germline): Uncertain significance. Review status: criteria provided, multiple submitters, no conflicts (2 of 4 stars). 3 submissions from 3 submitters: Uncertain significance (3). Last evaluated 2025-06-06.

Conditions:
Gnathodiaphyseal dysplasia (GDD). Also called: GNATHODIAPHYSEAL SCLEROSIS; OSTEOGENESIS IMPERFECTA WITH UNUSUAL SKELETAL LESIONS. Identifiers: Orphanet 53697, MedGen C1833736, MONDO:0008151, OMIM 166260.
Autosomal recessive limb-girdle muscular dystrophy type 2L (LGMDR12). Also called: MUSCULAR DYSTROPHY, LIMB-GIRDLE, AUTOSOMAL RECESSIVE 12; Limb-girdle muscular dystrophy, type 2L; Limb-Girdle Muscular Dystrophy R12 Anoctamin-5-Related (LGMD-R12). Identifiers: Orphanet 206549, MedGen C1969785, MONDO:0012652, OMIM 611307.

Allele frequency attached by ClinVar (database versions not stated): ExAC 0.00002; gnomAD 0.00002; gnomAD exomes 0.00001; TOPMed 0.00001.

Submissions (3):

Labcorp Genetics (formerly Invitae), Labcorp
Classification: Uncertain significance for Autosomal recessive limb-girdle muscular dystrophy type 2L; Gnathodiaphyseal dysplasia. Last evaluated: 2025-06-06. Review status: criteria provided, single submitter. Criteria: Invitae Variant Classification Sherloc (09022015). Collection method: clinical testing. Allele origin: germline.
Comment: This sequence change replaces arginine, which is basic and polar, with glutamine, which is neutral and polar, at codon 57 of the ANO5 protein (p.Arg57Gln). This variant is present in population databases (rs781702630, gnomAD 0.006%). This missense change has been observed in individual(s) with clinical features of limb-girdle muscular dystrophy (PMID: 30564623). ClinVar contains an entry for this variant (Variation ID: 392450). Invitae Evidence Modeling of protein sequence and biophysical properties (such as structural, functional, and spatial information, amino acid conservation, physicochemical variation, residue mobility, and thermodynamic stability) indicates that this missense variant is not expected to disrupt ANO5 protein function with a negative predictive value of 80%. This variant disrupts the p.Arg57 amino acid residue in ANO5. Other variant(s) that disrupt this residue have been determined to be pathogenic (PMID: 3530687, 25864073, 33963534). This suggests that this residue is clinically significant, and that variants that disrupt this residue are likely to be disease-causing. In summary, the available evidence is currently insufficient to determine the role of this variant in disease. Therefore, it has been classified as a Variant of Uncertain Significance.

GeneDx
Classification: Uncertain significance. Last evaluated: 2019-01-03. Review status: criteria provided, single submitter. Criteria: GeneDx Variant Classification (06012015). Collection method: clinical testing. Allele origin: germline. Affected: yes.
Comment: A variant of uncertain significance has been identified in the ANO5 gene. The R57Q variant has not been published as a pathogenic variant, nor has it been reported as a benign variant to our knowledge. A different missense substitution at the same position (R57W) has been reported previously in an individual with Miyoshi muscular dystrophy type 3 who was heterozygous for R57W and another ANO5 pathogenic variant; however, information about parental testing was not provided and functional characterization of the variant was not performed (Linssen et al., 2013). The R57Q variant is not observed in large population cohorts (Lek et al., 2016; 1000 Genomes Consortium et al., 2015; Exome Variant Server). The R57Q variant is a semi-conservative amino acid substitution, which may impact secondary protein structure as these residues differ in some properties. Additionally, this substitution occurs at a position that is conserved in mammals, and missense variants in nearby residues (F54S, R58W) have been reported in the Human Gene Mutation Database in association with ANO5-related disorders (Stenson et al., 2014). However, in silico analysis is inconsistent in its predictions as to whether or not the variant is damaging to the protein structure/function. Therefore, based on the currently available information, it is unclear whether this variant is a pathogenic variant or a rare benign variant.

Eurofins Ntd Llc (ga)
Classification: Uncertain significance. Last evaluated: 2016-10-05. Review status: criteria provided, single submitter. Criteria: EGL Classification Definitions 2015. Collection method: clinical testing. Allele origin: germline. Observed: 1 variant allele, 1 heterozygote.

Literature cited by the submitters: PubMed 30564623 (cited by Labcorp Genetics (formerly Invitae), Labcorp); PubMed 3530687 (cited by Labcorp Genetics (formerly Invitae), Labcorp); PubMed 25864073 (cited by Labcorp Genetics (formerly Invitae), Labcorp); PubMed 33963534 (cited by Labcorp Genetics (formerly Invitae), Labcorp).

NM_213599.3(ANO5):c.170G>A (p.Arg57Gln)

Gene: ANO5 (anoctamin 5; plus strand). Cytogenetic location: 11p14.3.
Variant type: single nucleotide variant.
Coding change: c.170G>A on transcript NM_213599.3 (MANE Select); coding-DNA position 170, G replaced by A.
Protein change: p.Arg57Gln; replaces arginine 57 with glutamine.
Molecular consequence: missense variant.
Genome position (GRCh38, 1-based): chr11:22,218,277, G>A. VCF-style: chr11-22218277-G-A. GRCh37 (hg19) VCF-style: chr11-22239823-G-A.
Other names: c.167G>A, p.Arg56Gln (NM_001142649.2); short protein forms R57Q, R56Q.
Identifiers: ClinVar variation 392450 (VCV000392450.10), dbSNP rs781702630, ClinGen allele CA5922820.
Genomic context (GRCh38, chr11:22,218,277, plus strand): 5'-GTGCTAATTCTTTATTGGTTGCTTCACAGCCTGCAAAGCGATTCAATTTGTTCCTGAGGC[G>A]GCGGCTTATGGTAAAACCAGTGCTGAATGATGCTGCTTATGCTCTGAATGGCTGCAGTGG-3'
Protein context (NP_998764.1, residues 47-67): PAKRFNLFLR[Arg57Gln]RLMFQKNQQS